The following is an entry in ClinVar:

ClinVar aggregate classification (germline): Conflicting classifications of pathogenicity. Review status: criteria provided, conflicting classifications (1 of 4 stars). 4 submissions from 4 submitters: Uncertain significance (2); Benign (1). 1 of the submissions does not count toward it. Last evaluated 2026-01-24.

Conditions:
DIS3L2-related disorder. Also called: DIS3L2-related condition.
Perlman syndrome (PRLMNS). Identifiers: Orphanet 2849, MedGen C0796113, MONDO:0009965, OMIM 267000.

Allele frequency attached by ClinVar (database versions not stated): ESP Exome Variant Server 0.00008; gnomAD 0.00008; gnomAD exomes 0.00010 and 0.00016; ExAC 0.00011; TOPMed 0.00012.
gnomAD v4.1: 164 of 1,613,580 alleles (0.01%); highest among the groups gnomAD compares: Middle Eastern, 0.033%; 2 homozygotes.

Submissions (4):

Labcorp Genetics (formerly Invitae), Labcorp
Classification: Benign for Perlman syndrome. Last evaluated: 2026-01-24. Review status: criteria provided, single submitter. Criteria: Invitae Variant Classification Sherloc (09022015). Collection method: clinical testing. Allele origin: germline.

Sema4
Classification: Uncertain significance for Perlman syndrome. Last evaluated: 2021-06-03. Review status: criteria provided, single submitter. Criteria: Sema4 Curation Guidelines. Collection method: curation. Allele origin: germline.
Comment: The BRCA2 c.1680G>A (p.L560=) variant has not been reported in the literature to our knowledge. It was observed in 29/10342 chromosomes of the Ashkenazi Jewish subpopulation, with no homozygotes, in the large and broad cohorts of the Genome Aggregation Database (PMID: 32461654). The variant has been reported in ClinVar (Variation ID 334940). In silico tools suggest the variant may potentially have an impact on splicing, though these predictions have not been confirmed by functional studies. The evidence is insufficient to meet ACMG/AMP criteria for classifying the variant as benign or pathogenic. Thus, the clinical significance of this variant is currently uncertain.

Illumina Laboratory Services, Illumina
Classification: Uncertain significance for Perlman syndrome. Last evaluated: 2018-01-13. Review status: criteria provided, single submitter. Criteria: ICSL Variant Classification Criteria 13 December 2019. Collection method: clinical testing. Allele origin: germline.

PreventionGenetics, part of Exact Sciences
Classification: Likely benign for DIS3L2-related condition. Last evaluated: 2019-12-11. Review status: no assertion criteria provided. Collection method: clinical testing. Allele origin: germline. Not counted in ClinVar's aggregate classification.
Comment: This variant is classified as likely benign based on ACMG/AMP sequence variant interpretation guidelines (Richards et al. 2015 PMID: 25741868, with internal and published modifications).

NM_152383.5(DIS3L2):c.1680G>A (p.Leu560=)

Gene: DIS3L2 (DIS3 like 3'-5' exoribonuclease 2; plus strand). Cytogenetic location: 2q37.1.
Variant type: single nucleotide variant.
Coding change: c.1680G>A on transcript NM_152383.5 (MANE Select); coding-DNA position 1680, G replaced by A.
Protein change: p.Leu560=; no amino-acid change (leucine 560 retained).
Molecular consequence: synonymous variant. On other transcripts: non-coding transcript variant (2), intron variant (1).
Genome position (GRCh38, 1-based): chr2:232,300,060, G>A. VCF-style: chr2-232300060-G-A. GRCh37 (hg19) VCF-style: chr2-233164770-G-A.
Other names: c.1581+36698G>A (NM_001257281.2).
Identifiers: ClinVar variation 334940 (VCV000334940.19), dbSNP rs377644356, ClinGen allele CA2164234.